The following is an entry in ClinVar:

NM_018006.5(TRMU):c.963G>A (p.Leu321=)

Gene: TRMU (tRNA mitochondrial 2-thiouridylase; plus strand). Cytogenetic location: 22q13.31.
Variant type: single nucleotide variant.
Coding change: c.963G>A on transcript NM_018006.5 (MANE Select); coding-DNA position 963, G replaced by A.
Protein change: p.Leu321=; no amino-acid change (leucine 321 retained).
Molecular consequence: synonymous variant. On other transcripts: non-coding transcript variant (2).
Genome position (GRCh38, 1-based): chr22:46,355,533, G>A. VCF-style: chr22-46355533-G-A. GRCh37 (hg19) VCF-style: chr22-46751430-G-A.
Other names: c.621G>A, p.Leu207= (NM_001282782.2); c.543G>A, p.Leu181= (NM_001282783.2, NM_001282784.2); c.963G>A, p.Leu321= (NM_001282785.2); c.963G>A (NM_018006.4).
Identifiers: ClinVar variation 1125972 (VCV001125972.10), dbSNP rs201210055, ClinGen allele CA10292332.
Genomic context (GRCh38, chr22:46,355,533, plus strand): 5'-CAGGGACCTGCTGAGGACCAGCCGCGTGCACTGGATTGCGGAGGAGCCTCCCGCAGCACT[G>A]GTCCGGGACAAGATGATGGAGTGCCACTTCCGATTCCGCCACCAGATGGCACTAGGTGAC-3'
Protein context (NP_060476.2, residues 311-331): HWIAEEPPAA[Leu321=]VRDKMMECHF

ClinVar aggregate classification (germline): Likely benign. Review status: criteria provided, multiple submitters, no conflicts (2 of 4 stars). 2 submissions from 2 submitters: Likely benign (2). Last evaluated 2026-01-06.

Conditions:
TRMU-related disorder. Also called: TRMU-related condition.

Allele frequency attached by ClinVar (database versions not stated): 1000 Genomes Project 0.00060; 1000 Genomes Project 30x 0.00062.
gnomAD v4.1: 56 of 1,613,300 alleles (0.0035%); highest among the groups gnomAD compares: East Asian, 0.11%; no homozygotes.

Submissions (2):

Labcorp Genetics (formerly Invitae), Labcorp
Classification: Likely benign. Last evaluated: 2026-01-06. Review status: criteria provided, single submitter. Criteria: Invitae Variant Classification Sherloc (09022015). Collection method: clinical testing. Allele origin: germline.

PreventionGenetics, part of Exact Sciences
Classification: Likely benign for TRMU-related condition. Last evaluated: 2025-03-05. Review status: criteria provided, single submitter. Criteria: ACMG Guidelines, 2015. Collection method: clinical testing. Allele origin: germline.
Comment: This variant is classified as likely benign based on ACMG/AMP sequence variant interpretation guidelines (Richards et al. 2015 PMID: 25741868, with internal and published modifications).